The following is an entry in ClinVar:

ClinVar aggregate classification (germline): Likely pathogenic (1 of 4 stars; one submission).

Conditions:
Hypertrophic cardiomyopathy 26. Also called: Cardiomyopathy, familial hypertrophic, 26. Identifiers: Orphanet 75249, MedGen C4310749, MONDO:0014883, OMIM 617047.
Myofibrillar myopathy 5. Also called: FILAMINOPATHY, AUTOSOMAL DOMINANT; Filaminopathy (type). Identifiers: Orphanet 171445, MedGen C1836050, MONDO:0012289, OMIM 609524.
Distal myopathy with posterior leg and anterior hand involvement. Also called: WILLIAMS DISTAL MYOPATHY. Identifiers: Orphanet 63273, MedGen C3279722, MONDO:0013550, OMIM 614065.

Submission:

Labcorp Genetics (formerly Invitae), Labcorp
Classification: Likely pathogenic for Distal myopathy with posterior leg and anterior hand involvement; Myofibrillar myopathy 5; Hypertrophic cardiomyopathy 26. Last evaluated: 2021-09-05. Review status: criteria provided, single submitter. Criteria: Invitae Variant Classification Sherloc (09022015). Collection method: clinical testing. Allele origin: germline.
Comment: This sequence change affects a donor splice site in intron 8 of the FLNC gene. It is expected to disrupt RNA splicing. Variants that disrupt the donor or acceptor splice site typically lead to a loss of protein function (PMID: 16199547), and loss-of-function variants in FLNC are known to be pathogenic (PMID: 27908349). This variant is not present in population databases (ExAC no frequency). This variant has not been reported in the literature in individuals affected with FLNC-related conditions. Algorithms developed to predict the effect of sequence changes on RNA splicing suggest that this variant may disrupt the consensus splice site. In summary, the currently available evidence indicates that the variant is pathogenic, but additional data are needed to prove that conclusively. Therefore, this variant has been classified as Likely Pathogenic.

Literature cited by the submitters: PubMed 16199547; PubMed 27908349.

NM_001458.5(FLNC):c.1411+1G>T

Gene: FLNC (filamin C; plus strand). Cytogenetic location: 7q32.1.
Variant type: single nucleotide variant.
Coding change: c.1411+1G>T on transcript NM_001458.5 (MANE Select); the canonical splice donor site of the intron after coding-DNA position 1411, G replaced by T.
Molecular consequence: splice donor variant.
Genome position (GRCh38, 1-based): chr7:128,838,804, G>T. VCF-style: chr7-128838804-G-T. GRCh37 (hg19) VCF-style: chr7-128478858-G-T.
Other names: c.1411+1G>T (NM_001127487.2).
Identifiers: ClinVar variation 1471146 (VCV001471146.6), dbSNP rs2128934545, ClinGen allele CA369225295.